The following is an entry in ClinVar:

NM_015702.3(MMADHC):c.557T>C (p.Met186Thr)

Gene: MMADHC (metabolism of cobalamin associated D; minus strand). Cytogenetic location: 2q23.2.
Variant type: single nucleotide variant.
Coding change: c.557T>C on transcript NM_015702.3 (MANE Select); coding-DNA position 557, T replaced by C.
Protein change: p.Met186Thr; replaces methionine 186 with threonine.
Molecular consequence: missense variant.
Genome position (GRCh38, 1-based): chr2:149,575,763, A>G on the plus strand (T>C on the coding strand, the complement: MMADHC is on the minus strand). VCF-style: chr2-149575763-A-G. GRCh37 (hg19) VCF-style: chr2-150432277-A-G.
Other names: short protein forms M186T.
Identifiers: ClinVar variation 965486 (VCV000965486.13), dbSNP rs61755260, ClinGen allele CA1902354.

ClinVar aggregate classification (germline): Uncertain significance. Review status: criteria provided, multiple submitters, no conflicts (2 of 4 stars). 4 submissions from 4 submitters: Uncertain significance (3). 1 of the submissions does not count toward it. Last evaluated 2026-01-19.

Conditions:
Inborn genetic diseases. Identifiers: MedGen C0950123, MeSH D030342.
Methylmalonic aciduria and homocystinuria type cblD (MAHCD). Also called: METHYLMALONIC ACIDEMIA, cblH TYPE; Methylmalonic aciduria with homocystinuria cblD type. Identifiers: Orphanet 622, Orphanet 79283, MedGen C1848552, MONDO:0010185, OMIM 277410.

Allele frequency attached by ClinVar (database versions not stated): 1000 Genomes Project 30x 0.00016; 1000 Genomes Project 0.00020; gnomAD 0.00027 and 0.00029; ESP Exome Variant Server 0.00031; gnomAD exomes 0.00037 and 0.00045; TOPMed 0.00041; ExAC 0.00045.

Submissions (4):

Labcorp Genetics (formerly Invitae), Labcorp
Classification: Uncertain significance for Methylmalonic aciduria and homocystinuria type cblD. Last evaluated: 2026-01-19. Review status: criteria provided, single submitter. Criteria: Invitae Variant Classification Sherloc (09022015). Collection method: clinical testing. Allele origin: germline.
Comment: This sequence change replaces methionine, which is neutral and non-polar, with threonine, which is neutral and polar, at codon 186 of the MMADHC protein (p.Met186Thr). This variant is present in population databases (rs61755260, gnomAD 0.1%). This variant has not been reported in the literature in individuals affected with MMADHC-related conditions. ClinVar contains an entry for this variant (Variation ID: 965486). Invitae Evidence Modeling of protein sequence and biophysical properties (such as structural, functional, and spatial information, amino acid conservation, physicochemical variation, residue mobility, and thermodynamic stability) indicates that this missense variant is expected to disrupt MMADHC protein function with a positive predictive value of 80%. In summary, the available evidence is currently insufficient to determine the role of this variant in disease. Therefore, it has been classified as a Variant of Uncertain Significance.

Ambry Genetics
Classification: Uncertain significance for Inborn genetic diseases. Last evaluated: 2022-04-22. Review status: criteria provided, single submitter. Criteria: Ambry Variant Classification Scheme 2023. Collection method: clinical testing. Allele origin: germline.

Revvity Omics, Revvity
Classification: Uncertain significance for Methylmalonic aciduria and homocystinuria type cblD. Last evaluated: 2022-04-18. Review status: criteria provided, single submitter. Criteria: ACMG Guidelines, 2015. Collection method: clinical testing. Allele origin: germline.

Natera, Inc.
Classification: Uncertain significance for Methylmalonic aciduria with homocystinuria cblD type. Last evaluated: 2020-02-13. Review status: no assertion criteria provided. Collection method: clinical testing. Allele origin: germline. Not counted in ClinVar's aggregate classification.